The following is an entry in ClinVar:

ClinVar aggregate classification (germline): Uncertain significance (1 of 4 stars; one submission).

gnomAD v4.1: 1 of 1,515,150 alleles (0.000066%); highest among the groups gnomAD compares: Non-Finnish European, 0.000088%; no homozygotes.

Submission:

CeGaT Center for Human Genetics Tuebingen
Classification: Uncertain significance. Last evaluated: 2026-03-01. Review status: criteria provided, single submitter. Criteria: CeGaT Center For Human Genetics Tuebingen Variant Classification Criteria Version 2. Collection method: clinical testing. Allele origin: germline. Affected: yes. Observed: 1 variant allele.
Comment: CACNA1B: PM2, PP3

NM_000718.4(CACNA1B):c.2552A>T (p.His851Leu)

Gene: CACNA1B (calcium voltage-gated channel subunit alpha1 B; plus strand). Cytogenetic location: 9q34.3.
Variant type: single nucleotide variant.
Coding change: c.2552A>T on transcript NM_000718.4 (MANE Select); coding-DNA position 2552, A replaced by T.
Protein change: p.His851Leu; replaces histidine 851 with leucine.
Molecular consequence: missense variant.
Genome position (GRCh38, 1-based): chr9:138,023,295, A>T. VCF-style: chr9-138023295-A-T. GRCh37 (hg19) VCF-style: chr9-140917747-A-T.
Other names: c.2552A>T, p.His851Leu (NM_001243812.2); short protein forms H851L.
Identifiers: ClinVar variation 4822028 (VCV004822028.4).
Genomic context (GRCh38, chr9:138,023,295, plus strand): 5'-GAGGCAAAGCCCGACCTGAGGCTGCGGAGGCCCCCGAGGGCGTCGACCCTCCGCGCAGGC[A>T]CCACCGGCACCGCGACAAGGACAAGACCCCCGCGGCGGGGGACCAGGACCGAGCAGAGGC-3'
Protein context (NP_000709.1, residues 841-861): APEGVDPPRR[His851Leu]HRHRDKDKTP